The following is an entry in ClinVar:

NM_152419.3(HGSNAT):c.1614-2A>G

Gene: HGSNAT (heparan-alpha-glucosaminide N-acetyltransferase; plus strand). Cytogenetic location: 8p11.21.
Variant type: single nucleotide variant.
Coding change: c.1614-2A>G on transcript NM_152419.3 (MANE Select); the canonical splice acceptor site of the intron before coding-DNA position 1614, A replaced by G.
Molecular consequence: splice acceptor variant.
Genome position (GRCh38, 1-based): chr8:43,197,838, A>G. VCF-style: chr8-43197838-A-G. GRCh37 (hg19) VCF-style: chr8-43052981-A-G.
Other names: c.1701-2A>G (NM_001363227.2); c.750-2A>G (NM_001363229.2); c.1422-2A>G (NM_001363228.2).
Identifiers: ClinVar variation 2285060 (VCV002285060.3), dbSNP rs1554537807, ClinGen allele CA371120598.

ClinVar aggregate classification (germline): Conflicting classifications of pathogenicity. Review status: criteria provided, conflicting classifications (1 of 4 stars). 2 submissions from 2 submitters: Likely pathogenic (1); Uncertain significance (1). Last evaluated 2025-06-27.

Conditions:
Mucopolysaccharidosis, MPS-III-C (MPS3C). Also called: SANFILIPPO SYNDROME C; MPS III C; MUCOPOLYSACCHARIDOSIS, TYPE IIIC; Mucopolysaccharidosis type IIIC (Sanfilippo C); mucopolysaccharidosis type 3C; MPS IIIC (Sanfilippo Syndrome Type C). Identifiers: Orphanet 581, Orphanet 79271, MedGen C0086649, MONDO:0009657, OMIM 252930.
Inborn genetic diseases. Identifiers: MedGen C0950123, MeSH D030342.

Submissions (2):

Natera, Inc.
Classification: Likely pathogenic for Mucopolysaccharidosis type IIIC. Last evaluated: 2025-06-27. Review status: criteria provided, single submitter. Criteria: Natera Variant Classification Schema (03/2026). Collection method: clinical testing. Allele origin: germline.
Comment: The c.1614-2A>G variant in HGSNAT is a canonical splice acceptor site variant predicted to affect pre-mRNA splicing, which may result in an abnormal transcript and altered protein product. This variant is expected to result in nonsense mediated decay, truncation, or a dysfunctional protein product. This variant is rare in the general population with a frequency below the threshold expected for the associated phenotype(s). Given the available evidence, this variant is classified as Likely Pathogenic.

Ambry Genetics
Classification: Uncertain significance for Inborn genetic diseases. Last evaluated: 2022-05-31. Review status: criteria provided, single submitter. Criteria: Ambry Variant Classification Scheme 2023. Collection method: clinical testing. Allele origin: germline.
Comment: A resulting transcript is predicted to be in-frame and is not expected to trigger nonsense-mediated mRNA decay Based on insufficient or conflicting evidence, the clinical significance of this alteration remains unclear.